The following is an entry in ClinVar:

ClinVar aggregate classification (germline): Uncertain significance (1 of 4 stars; one submission).

Conditions:
Familial hypobetalipoproteinemia 1. Also called: APOB-Related Familial Hypobetalipoproteinemia; Hypobetalipoproteinemia, normotriglyceridemic; Acanthocytosis with hypobetalipoproteinemia. Identifiers: MedGen C4551990, MONDO:0014252, OMIM 615558.
Hypercholesterolemia, autosomal dominant, type B (FHCL2). Also called: APOB-Related Familial Hypercholesterolemia, Autosomal Dominant; Familial hypercholesterolemia 2; Familial Hypercholesterolemia Type B; APOLIPOPROTEIN B-100, FAMILIAL DEFECTIVE; APOLIPOPROTEIN B-100, FAMILIAL LIGAND-DEFECTIVE; HYPERCHOLESTEROLEMIA, FAMILIAL, DUE TO LIGAND-DEFECTIVE APOLIPOPROTEIN B. Identifiers: MedGen C1704417, MONDO:0007751, OMIM 144010.

Submission:

Labcorp Genetics (formerly Invitae), Labcorp
Classification: Uncertain significance for Familial hypobetalipoproteinemia 1; Hypercholesterolemia, autosomal dominant, type B. Last evaluated: 2025-10-28. Review status: criteria provided, single submitter. Criteria: Invitae Variant Classification Sherloc (09022015). Collection method: clinical testing. Allele origin: germline.
Comment: This sequence change replaces arginine, which is basic and polar, with serine, which is neutral and polar, at codon 1091 of the APOB protein (p.Arg1091Ser). This variant is not present in population databases (gnomAD no frequency). This variant has not been reported in the literature in individuals affected with APOB-related conditions. Invitae Evidence Modeling of protein sequence and biophysical properties (such as structural, functional, and spatial information, amino acid conservation, physicochemical variation, residue mobility, and thermodynamic stability) indicates that this missense variant is not expected to disrupt APOB protein function with a negative predictive value of 95%. In summary, the available evidence is currently insufficient to determine the role of this variant in disease. Therefore, it has been classified as a Variant of Uncertain Significance.

NM_000384.3(APOB):c.3273A>C (p.Arg1091Ser)

Gene: APOB (apolipoprotein B; minus strand). Cytogenetic location: 2p24.1.
Variant type: single nucleotide variant.
Coding change: c.3273A>C on transcript NM_000384.3 (MANE Select); coding-DNA position 3273, A replaced by C.
Protein change: p.Arg1091Ser; replaces arginine 1091 with serine.
Molecular consequence: missense variant.
Genome position (GRCh38, 1-based): chr2:21,016,498, T>G on the plus strand (A>C on the coding strand, the complement: APOB is on the minus strand). VCF-style: chr2-21016498-T-G. GRCh37 (hg19) VCF-style: chr2-21239370-T-G.
Other names: short protein forms R1091S.
Identifiers: ClinVar variation 4789295 (VCV004789295.1).
Genomic context (GRCh38, chr2:21,016,498, plus strand): 5'-CCTTAGGTGGCCCATGAGGGCGACCTCAGTAATTTTCTTGTTCTGAATGTCCAGGGTGAG[T>G]CTGTAAGACGTTTTGCCCTCAGTAGATTCATCATTAACTCTGAGGATTGTTCCGAGGTCA-3'
Protein context (NP_000375.3, residues 1081-1101): DESTEGKTSY[Arg1091Ser]LTLDIQNKKI